The following is an entry in ClinVar:

NM_032043.3(BRIP1):c.1141-3T>G

Gene: BRIP1 (BRCA1 interacting DNA helicase 1; minus strand). Cytogenetic location: 17q23.2.
Variant type: single nucleotide variant.
Coding change: c.1141-3T>G on transcript NM_032043.3 (MANE Select); 3 bases into the intron before coding-DNA position 1141, T replaced by G.
Molecular consequence: intron variant.
Genome position (GRCh38, 1-based): chr17:61,799,302, A>C on the plus strand (T>G on the coding strand, the complement: BRIP1 is on the minus strand). VCF-style: chr17-61799302-A-C. GRCh37 (hg19) VCF-style: chr17-59876663-A-C.
Identifiers: ClinVar variation 4216240 (VCV004216240.1).

ClinVar aggregate classification (germline): Uncertain significance (1 of 4 stars; one submission).

Conditions:
Hereditary cancer-predisposing syndrome. Also called: Hereditary Cancer Syndrome; Hereditary neoplastic syndrome; Neoplastic Syndromes, Hereditary; Tumor predisposition. Identifiers: Orphanet 140162, MedGen C0027672, MeSH D009386, MONDO:0015356.

Submission:

Ambry Genetics
Classification: Uncertain significance for Hereditary cancer-predisposing syndrome. Last evaluated: 2025-06-24. Review status: criteria provided, single submitter. Criteria: Ambry Variant Classification Scheme 2023. Collection method: clinical testing. Allele origin: germline.
Comment: The c.1141-3T>G intronic variant results from a T to G substitution 3 nucleotides upstream from coding exon 8 in the BRIP1 gene. This nucleotide position is not well conserved in available vertebrate species. In silico splice site analysis predicts that this alteration will weaken the native splice acceptor site and will result in the creation or strengthening of a novel splice acceptor site. Based on the available evidence, the clinical significance of this variant remains unclear.